The following is an entry in ClinVar:

NM_003982.4(SLC7A7):c.1468G>C (p.Val490Leu)

Gene: SLC7A7 (solute carrier family 7 member 7; minus strand). Cytogenetic location: 14q11.2.
Variant type: single nucleotide variant.
Coding change: c.1468G>C on transcript NM_003982.4 (MANE Select); coding-DNA position 1468, G replaced by C.
Protein change: p.Val490Leu; replaces valine 490 with leucine.
Molecular consequence: missense variant.
Genome position (GRCh38, 1-based): chr14:22,773,678, C>G on the plus strand (G>C on the coding strand, the complement: SLC7A7 is on the minus strand). VCF-style: chr14-22773678-C-G. GRCh37 (hg19) VCF-style: chr14-23242887-C-G.
Other names: c.1468G>C, p.Val490Leu (NM_001126105.3, NM_001126106.4); short protein forms V490L.
Identifiers: ClinVar variation 1411295 (VCV001411295.4), dbSNP rs998787372, ClinGen allele CA257723399.

ClinVar aggregate classification (germline): Uncertain significance. Review status: criteria provided, multiple submitters, no conflicts (2 of 4 stars). 2 submissions from 2 submitters: Uncertain significance (2). Last evaluated 2022-07-30.

Conditions:
Lysinuric protein intolerance (LPI). Identifiers: Orphanet 470, MedGen C0268647, MONDO:0009109, OMIM 222700.

Allele frequency attached by ClinVar (database versions not stated): gnomAD 0.00001 and 0.00002; gnomAD exomes 0.00001; TOPMed 0.00003.
gnomAD v4.1: 15 of 1,614,076 alleles (0.00093%); highest among the groups gnomAD compares: African/African-American, 0.0093%; no homozygotes.

Submissions (2):

Labcorp Genetics (formerly Invitae), Labcorp
Classification: Uncertain significance for Lysinuric protein intolerance. Last evaluated: 2022-07-30. Review status: criteria provided, single submitter. Criteria: Invitae Variant Classification Sherloc (09022015). Collection method: clinical testing. Allele origin: germline.
Comment: This sequence change replaces valine, which is neutral and non-polar, with leucine, which is neutral and non-polar, at codon 490 of the SLC7A7 protein (p.Val490Leu). This variant is present in population databases (no rsID available, gnomAD 0.01%). This variant has not been reported in the literature in individuals affected with SLC7A7-related conditions. ClinVar contains an entry for this variant (Variation ID: 1411295). Algorithms developed to predict the effect of missense changes on protein structure and function (SIFT, PolyPhen-2, Align-GVGD) all suggest that this variant is likely to be tolerated. In summary, the available evidence is currently insufficient to determine the role of this variant in disease. Therefore, it has been classified as a Variant of Uncertain Significance.

Fulgent Genetics
Classification: Uncertain significance for Lysinuric protein intolerance. Last evaluated: 2021-12-16. Review status: criteria provided, single submitter. Criteria: ACMG Guidelines, 2015. Collection method: clinical testing. Allele origin: unknown.